The following is an entry in ClinVar:

ClinVar aggregate classification (germline): Uncertain significance (1 of 4 stars; one submission).

Submission:

Labcorp Genetics (formerly Invitae), Labcorp
Classification: Uncertain significance. Last evaluated: 2022-08-22. Review status: criteria provided, single submitter. Criteria: Invitae Variant Classification Sherloc (09022015). Collection method: clinical testing. Allele origin: germline.
Comment: This variant is not present in population databases (gnomAD no frequency). In summary, the available evidence is currently insufficient to determine the role of this variant in disease. Therefore, it has been classified as a Variant of Uncertain Significance. Algorithms developed to predict the effect of missense changes on protein structure and function (SIFT, PolyPhen-2, Align-GVGD) all suggest that this variant is likely to be tolerated. This variant has not been reported in the literature in individuals affected with ADAMTS10-related conditions. This sequence change replaces threonine, which is neutral and polar, with serine, which is neutral and polar, at codon 283 of the ADAMTS10 protein (p.Thr283Ser).

NM_030957.4(ADAMTS10):c.848C>G (p.Thr283Ser)

Gene: ADAMTS10 (ADAM metallopeptidase with thrombospondin type 1 motif 10; minus strand). Cytogenetic location: 19p13.2.
Variant type: single nucleotide variant.
Coding change: c.848C>G on transcript NM_030957.4 (MANE Select); coding-DNA position 848, C replaced by G.
Protein change: p.Thr283Ser; replaces threonine 283 with serine.
Molecular consequence: missense variant.
Genome position (GRCh38, 1-based): chr19:8,597,280, G>C on the plus strand (C>G on the coding strand, the complement: ADAMTS10 is on the minus strand). VCF-style: chr19-8597280-G-C. GRCh37 (hg19) VCF-style: chr19-8662164-G-C.
Other names: short protein forms T283S.
Identifiers: ClinVar variation 1717631 (VCV001717631.5), dbSNP rs2512627495, ClinGen allele CA403756312.